The following is an entry in ClinVar:

ClinVar aggregate classification (germline): Conflicting classifications of pathogenicity. Review status: criteria provided, conflicting classifications (1 of 4 stars). 3 submissions from 3 submitters: Likely pathogenic (1); Uncertain significance (1). 1 of the submissions does not count toward it. Last evaluated 2026-03-24.

Conditions:
Hereditary cancer-predisposing syndrome. Also called: Hereditary neoplastic syndrome; Neoplastic Syndromes, Hereditary; Tumor predisposition; Hereditary Cancer Syndrome. Identifiers: Orphanet 140162, MedGen C0027672, MeSH D009386, MONDO:0015356.
Familial cancer of breast. Also called: BREAST CANCER, FAMILIAL; Hereditary breast cancer; hereditary breast carcinoma. Identifiers: Orphanet 227535, MedGen C0346153, MONDO:0016419, OMIM 114480. Disease mechanism: loss of function.
Ataxia-telangiectasia syndrome (AT). Also called: Ataxia telangiectasia (A-T); LOUIS-BAR SYNDROME; AT, COMPLEMENTATION GROUP C; Ataxia-telangiectasia, complementation group E; Ataxia-telangiectasia, complementation group D; Ataxia-telangiectasia. Identifiers: Orphanet 100, MedGen C0004135, MONDO:0008840, OMIM 208900.

Allele frequency attached by ClinVar (database versions not stated): gnomAD exomes below 0.00001; ExAC 0.00001.

Submissions (3):

Ambry Genetics
Classification: Uncertain significance for Hereditary cancer-predisposing syndrome. Last evaluated: 2026-03-24. Review status: criteria provided, single submitter. Criteria: Ambry Variant Classification Scheme 2023. Collection method: clinical testing. Allele origin: germline.
Comment: The c.1799_1802+5delACAGGTAAT variant results from a deletion of 9 nucleotides between positions c.1799 and c.1802+5 and involves the canonical splice donor site after coding exon 10 of the ATM gene. The canonical splice donor site is well conserved in available vertebrate species. In silico splice site analysis predicts that this alteration will weaken the native splice donor site; however, direct evidence is insufficient at this time (Ambry internal data). The resulting transcript is predicted to be in-frame and is not expected to trigger nonsense-mediated mRNA decay; however, direct evidence is unavailable. The exact functional effect of the altered amino acid sequence is unknown. Since supporting evidence is limited at this time, the clinical significance of this alteration remains unclear.

Labcorp Genetics (formerly Invitae), Labcorp
Classification: Likely pathogenic for Ataxia-telangiectasia syndrome. Last evaluated: 2025-02-13. Review status: criteria provided, single submitter. Criteria: Invitae Variant Classification Sherloc (09022015). Collection method: clinical testing. Allele origin: germline.
Comment: This variant results in the deletion of part of exon 11 (c.1799_1802+5del) of the ATM gene. RNA analysis indicates that this variant induces altered splicing and may result in an absent or altered protein product. This variant is present in population databases (rs781244480, gnomAD 0.0009%). This variant has not been reported in the literature in individuals affected with ATM-related conditions. ClinVar contains an entry for this variant (Variation ID: 1068117). Studies have shown that this variant results in activation of a cryptic splice site , and produces a non-functional protein and/or introduces a premature termination codon (internal data). In summary, the currently available evidence indicates that the variant is pathogenic, but additional data are needed to prove that conclusively. Therefore, this variant has been classified as Likely Pathogenic.

BRCAlab, Lund University
Classification: Likely pathogenic for Familial cancer of breast. Last evaluated: 2022-08-26. Review status: no assertion criteria provided. Collection method: clinical testing. Allele origin: germline. Affected: yes. Not counted in ClinVar's aggregate classification.

NM_000051.4(ATM):c.1799_1802+5del

Gene: ATM (ATM serine/threonine kinase; plus strand). Cytogenetic location: 11q22.3.
Variant type: Deletion.
Coding change: c.1799_1802+5del on transcript NM_000051.4 (MANE Select); coding-DNA position 1799 through 5 bases into the intron after coding-DNA position 1802, 9 bases deleted (ACAGGTAAT; older notation c.1799_1802+5delACAGGTAAT).
Molecular consequence: splice donor variant.
Genome position (GRCh38, 1-based): chr11:108,252,028-108,252,036, ACAGGTAAT deleted. VCF-style (leftmost placement, unchanged base first): chr11-108252027-CACAGGTAAT-C. GRCh37 (hg19) VCF-style: chr11-108122754-CACAGGTAAT-C.
Other names: c.1799_1802+5del (NM_001351834.2).
Identifiers: ClinVar variation 1068117 (VCV001068117.28), dbSNP rs781244480, ClinGen allele CA6264867.
Genomic context (GRCh38, chr11:108,252,027, plus strand): 5'-CTCTTATTCTATCAGTTAGAGGGTGACTTAGAAAATAGCACAGAAGTGCCTCCAATTCTT[CACAGGTAAT>C]TTAAGTTCATTAGCATGCTGCTGTTTTTTTTGTTTGTTTTATCAGGCTCTCTCCACTTAT-3'